The following is an entry in ClinVar:

ClinVar aggregate classification (germline): Pathogenic (1 of 4 stars; one submission).

Conditions:
Inborn genetic diseases. Identifiers: MedGen C0950123, MeSH D030342.

Submission:

Ambry Genetics
Classification: Pathogenic for Inborn genetic diseases. Last evaluated: 2018-02-21. Review status: criteria provided, single submitter. Criteria: Ambry Variant Classification Scheme 2023. Collection method: clinical testing. Allele origin: germline.
Comment: The p.Q148* variant (also known as c.442C>T), located in coding exon 4 of the GAMT gene, results from a C to T substitution at nucleotide position 442. This changes the amino acid from a glutamine to a stop codon within coding exon 4. This alteration is expected to result in loss of function by premature protein truncation or nonsense-mediated mRNA decay. As such, this alteration is interpreted as a disease-causing mutation.

NM_000156.6(GAMT):c.442C>T (p.Gln148Ter)

Gene: GAMT (guanidinoacetate N-methyltransferase; minus strand). Cytogenetic location: 19p13.3.
Variant type: single nucleotide variant.
Coding change: c.442C>T on transcript NM_000156.6 (MANE Select); coding-DNA position 442, C replaced by T.
Protein change: p.Gln148Ter; replaces glutamine 148 with a stop codon.
Molecular consequence: nonsense.
Genome position (GRCh38, 1-based): chr19:1,399,145, G>A on the plus strand (C>T on the coding strand, the complement: GAMT is on the minus strand). VCF-style: chr19-1399145-G-A. GRCh37 (hg19) VCF-style: chr19-1399144-G-A.
Other names: c.442C>T, p.Gln148Ter (NM_138924.3); short protein forms Q148*.
Identifiers: ClinVar variation 1740532 (VCV001740532.3), dbSNP rs2512224786, ClinGen allele CA402995050.